The following is an entry in ClinVar:

ClinVar aggregate classification (germline): Uncertain significance (1 of 4 stars; one submission).

Conditions:
Hereditary cancer-predisposing syndrome. Also called: Tumor predisposition; Neoplastic Syndromes, Hereditary; Hereditary neoplastic syndrome; Hereditary Cancer Syndrome. Identifiers: Orphanet 140162, MedGen C0027672, MeSH D009386, MONDO:0015356.

Submission:

Ambry Genetics
Classification: Uncertain significance for Hereditary cancer-predisposing syndrome. Last evaluated: 2024-06-29. Review status: criteria provided, single submitter. Criteria: Ambry Variant Classification Scheme 2023. Collection method: clinical testing. Allele origin: germline.
Comment: The p.V1308I variant (also known as c.3922G>A), located in coding exon 32 of the TSC2 gene, results from a G to A substitution at nucleotide position 3922. The valine at codon 1308 is replaced by isoleucine, an amino acid with highly similar properties. This amino acid position is conserved. In addition, this alteration is predicted to be tolerated by in silico analysis. Based on the available evidence, the clinical significance of this variant remains unclear.

NM_000548.5(TSC2):c.3922G>A (p.Val1308Ile)

Gene: TSC2 (TSC complex subunit 2; plus strand). Cytogenetic location: 16p13.3.
Variant type: single nucleotide variant.
Coding change: c.3922G>A on transcript NM_000548.5 (MANE Select); coding-DNA position 3922, G replaced by A.
Protein change: p.Val1308Ile; replaces valine 1308 with isoleucine.
Molecular consequence: missense variant. On other transcripts: non-coding transcript variant (5).
Genome position (GRCh38, 1-based): chr16:2,083,733, G>A. VCF-style: chr16-2083733-G-A. GRCh37 (hg19) VCF-style: chr16-2133734-G-A.
Other names: c.3709G>A, p.Val1237Ile (NM_001406673.1); c.3706G>A, p.Val1236Ile (NM_001406675.1); c.3703G>A, p.Val1235Ile (NM_001406676.1); c.3253G>A, p.Val1085Ile (NM_001406682.1, NM_001406683.1); c.3664G>A, p.Val1222Ile (NM_001406677.1); c.3262G>A, p.Val1088Ile (NM_001406681.1); c.3610G>A, p.Val1204Ile (NM_001406678.1); c.3574G>A, p.Val1192Ile (NM_001406679.1); and 26 more; short protein forms V1064I, V1088I, V1108I, V1222I, V1241I, V1248I, V1284I, V816I.
Identifiers: ClinVar variation 3462573 (VCV003462573.1).